The following is an entry in ClinVar:

NM_006567.5(FARS2):c.929G>A (p.Trp310Ter)

Gene: FARS2 (phenylalanyl-tRNA synthetase 2, mitochondrial; plus strand). Cytogenetic location: 6p25.1.
Variant type: single nucleotide variant.
Coding change: c.929G>A on transcript NM_006567.5 (MANE Select); coding-DNA position 929, G replaced by A.
Protein change: p.Trp310Ter; replaces tryptophan 310 with a stop codon.
Molecular consequence: nonsense.
Genome position (GRCh38, 1-based): chr6:5,545,204, G>A. VCF-style: chr6-5545204-G-A. GRCh37 (hg19) VCF-style: chr6-5545437-G-A.
Other names: c.929G>A, p.Trp310Ter (NM_001318872.2, NM_001374875.1, NM_001374876.1 and 4 more transcripts); c.797G>A, p.Trp266Ter (NM_001375258.1); c.233G>A, p.Trp78Ter (NM_001375259.1, NM_001375260.1); short protein forms W78*, W266*, W310*.
Identifiers: ClinVar variation 1946683 (VCV001946683.5), dbSNP rs933237458, ClinGen allele CA134331269.
Genomic context (GRCh38, chr6:5,545,204, plus strand): 5'-CTTTTTAAAAACAACTATTTTGTTTCCTAATCACAGCTGGTGCTCAAGACCGAATCGGCT[G>A]GGCTTTTGGCCTAGGATTAGAAAGGCTAGCCATGATCCTCTACGACATCCCTGATATCCG-3'

ClinVar aggregate classification (germline): Pathogenic (1 of 4 stars; one submission).

Conditions:
Combined oxidative phosphorylation defect type 14. Also called: Combined oxidative phosphorylation deficiency 14. Identifiers: Orphanet 319519, MedGen C4755312, MONDO:0013986, OMIM 614946.

Allele frequency attached by ClinVar (database versions not stated): gnomAD exomes below 0.00001; TOPMed below 0.00001.
gnomAD v4.1: 1 of 1,613,902 alleles (0.000062%); highest among the groups gnomAD compares: East Asian, 0.0022%; no homozygotes.

Submission:

Labcorp Genetics (formerly Invitae), Labcorp
Classification: Pathogenic for Combined oxidative phosphorylation defect type 14. Last evaluated: 2022-09-21. Review status: criteria provided, single submitter. Criteria: Invitae Variant Classification Sherloc (09022015). Collection method: clinical testing. Allele origin: germline.
Comment: For these reasons, this variant has been classified as Pathogenic. This variant has not been reported in the literature in individuals affected with FARS2-related conditions. This variant is not present in population databases (gnomAD no frequency). This sequence change creates a premature translational stop signal (p.Trp310*) in the FARS2 gene. It is expected to result in an absent or disrupted protein product. Loss-of-function variants in FARS2 are known to be pathogenic (PMID: 22833457).

Literature cited by the submitters: PubMed 22833457.